The following is an entry in ClinVar:

NM_002225.5(IVD):c.783del (p.Ala262fs)

Gene: IVD (isovaleryl-CoA dehydrogenase; plus strand). Cytogenetic location: 15q15.1.
Variant type: Deletion.
Coding change: c.783del on transcript NM_002225.5 (MANE Select); coding-DNA position 783, one base deleted (T; older notation c.783delT).
Protein change: p.Ala262fs; shifts the reading frame from alanine 262.
Molecular consequence: frameshift variant. On other transcripts: non-coding transcript variant (1).
Genome position (GRCh38, 1-based): chr15:40,413,086, T deleted. VCF-style (leftmost placement, unchanged base first): chr15-40413085-CT-C. GRCh37 (hg19) VCF-style: chr15-40705284-CT-C.
Other names: c.693del, p.Ala232fs (NM_001159508.3); c.735del, p.Ala246fs (NM_001354597.3); c.783del, p.Ala262fs (NM_001354598.3, NM_001354601.3); c.870del, p.Ala291fs (NM_001354599.3, NM_001354600.3); short protein forms A232fs, A246fs, A262fs, A291fs.
Identifiers: ClinVar variation 5012737 (VCV005012737.1).
Genomic context (GRCh38, chr15:40,413,085, plus strand): 5'-ACAAGCTGGGGATGAGGGGCTCTAACACCTGTGAGCTAATCTTTGAAGACTGCAAGATTC[CT>C]GGTAAGTAGCACCGGGAATCGGGGAGCCCCTCTCCTGACCCCCTTCCAGGCTGATCTGGC-3'

ClinVar aggregate classification (germline): Pathogenic (1 of 4 stars; one submission).

Conditions:
Isovaleryl-CoA dehydrogenase deficiency (IVA). Also called: ISOVALERIC ACID CoA DEHYDROGENASE DEFICIENCY; Isovaleric acidemia; IVD DEFICIENCY; Classic Isovaleric Acidemia. Identifiers: Orphanet 33, MedGen C0268575, MONDO:0009475, OMIM 243500.

Submission:

Myriad Genetics, Inc.
Classification: Pathogenic for Isovaleryl-CoA dehydrogenase deficiency. Last evaluated: 2024-02-14. Review status: criteria provided, single submitter. Criteria: Myriad Autosomal Dominant, Autosomal Recessive and X-Linked Classification Criteria (2023). Collection method: clinical testing. Allele origin: unknown.
Comment: NM_002225.3(IVD):c.792delT(A265Lfs*15) is expected to be pathogenic in the context of isovaleric acidemia. This variant is predicted to lead to an abnormal or absent protein product due to the creation of a premature termination codon in IVD, a gene where loss-of-function variants are known to be pathogenic. Please note: this variant was assessed in the context of healthy population screening.